The following is an entry in ClinVar:

NM_004304.5(ALK):c.2269G>T (p.Val757Leu)

Gene: ALK (ALK receptor tyrosine kinase; minus strand). Cytogenetic location: 2p23.2.
Variant type: single nucleotide variant.
Coding change: c.2269G>T on transcript NM_004304.5 (MANE Select); coding-DNA position 2269, G replaced by T.
Protein change: p.Val757Leu; replaces valine 757 with leucine.
Molecular consequence: missense variant.
Genome position (GRCh38, 1-based): chr2:29,239,766, C>A on the plus strand (G>T on the coding strand, the complement: ALK is on the minus strand). VCF-style: chr2-29239766-C-A. GRCh37 (hg19) VCF-style: chr2-29462632-C-A.
Other names: short protein forms V757L.
Identifiers: ClinVar variation 1492617 (VCV001492617.11), dbSNP rs371005946, ClinGen allele CA1594373.

ClinVar aggregate classification (germline): Uncertain significance. Review status: criteria provided, multiple submitters, no conflicts (2 of 4 stars). 2 submissions from 2 submitters: Uncertain significance (2). Last evaluated 2025-09-17.

Conditions:
Hereditary cancer-predisposing syndrome. Also called: Neoplastic Syndromes, Hereditary; Tumor predisposition; Hereditary neoplastic syndrome; Hereditary Cancer Syndrome. Identifiers: Orphanet 140162, MedGen C0027672, MeSH D009386, MONDO:0015356.
Neuroblastoma, susceptibility to, 3. Also called: ALK-Related Neuroblastic Tumor Susceptibility. Identifiers: Orphanet 635, MedGen C2751681, MONDO:0013083, OMIM 613014.

gnomAD v4.1: 2 of 1,613,910 alleles (0.00012%); highest among the groups gnomAD compares: Non-Finnish European, 0.000085%; no homozygotes.

Submissions (2):

Ambry Genetics
Classification: Uncertain significance for Hereditary cancer-predisposing syndrome. Last evaluated: 2025-09-17. Review status: criteria provided, single submitter. Criteria: Ambry Variant Classification Scheme 2023. Collection method: clinical testing. Allele origin: germline.
Comment: The p.V757L variant (also known as c.2269G>T), located in coding exon 13 of the ALK gene, results from a G to T substitution at nucleotide position 2269. The valine at codon 757 is replaced by leucine, an amino acid with highly similar properties. This amino acid position is conserved. In addition, this alteration is predicted to be tolerated by in silico analysis. Since supporting evidence is limited at this time, the clinical significance of this alteration remains unclear.

Labcorp Genetics (formerly Invitae), Labcorp
Classification: Uncertain significance for Neuroblastoma, susceptibility to, 3. Last evaluated: 2025-03-19. Review status: criteria provided, single submitter. Criteria: Invitae Variant Classification Sherloc (09022015). Collection method: clinical testing. Allele origin: germline.
Comment: This sequence change replaces valine, which is neutral and non-polar, with leucine, which is neutral and non-polar, at codon 757 of the ALK protein (p.Val757Leu). This variant is present in population databases (rs371005946, gnomAD 0.0009%). This variant has not been reported in the literature in individuals affected with ALK-related conditions. ClinVar contains an entry for this variant (Variation ID: 1492617). An algorithm developed to predict the effect of missense changes on protein structure and function (PolyPhen-2) suggests that this variant is likely to be disruptive. In summary, the available evidence is currently insufficient to determine the role of this variant in disease. Therefore, it has been classified as a Variant of Uncertain Significance.